The following is an entry in ClinVar:

NM_000059.4(BRCA2):c.4480A>G (p.Ser1494Gly)

Gene: BRCA2 (BRCA2 DNA repair associated; plus strand). Cytogenetic location: 13q13.1.
Variant type: single nucleotide variant.
Coding change: c.4480A>G on transcript NM_000059.4 (MANE Select); coding-DNA position 4480, A replaced by G.
Protein change: p.Ser1494Gly; replaces serine 1494 with glycine.
Molecular consequence: missense variant.
Genome position (GRCh38, 1-based): chr13:32,338,835, A>G. VCF-style: chr13-32338835-A-G. GRCh37 (hg19) VCF-style: chr13-32912972-A-G.
Other names: short protein forms S1494G.
Identifiers: ClinVar variation 824925 (VCV000824925.17), dbSNP rs1593902515, ClinGen allele CA387781498.

ClinVar aggregate classification (germline): Conflicting classifications of pathogenicity. Review status: criteria provided, conflicting classifications (1 of 4 stars). 5 submissions from 5 submitters: Uncertain significance (3); Likely benign (2). Last evaluated 2025-10-07.

Conditions:
Hereditary cancer-predisposing syndrome. Also called: Neoplastic Syndromes, Hereditary; Tumor predisposition; Hereditary neoplastic syndrome; Hereditary Cancer Syndrome. Identifiers: Orphanet 140162, MedGen C0027672, MeSH D009386, MONDO:0015356.
Hereditary breast ovarian cancer syndrome. Also called: Hereditary breast and ovarian cancer syndrome; Hereditary breast and ovarian cancer; Hereditary breast and ovarian cancer syndrome (HBOC); Breast and ovarian cancer; Hereditary breast and/or ovarian cancer syndrome; BRCA1- and BRCA2-Associated Hereditary Breast and Ovarian Cancer. Identifiers: Orphanet 145, MedGen C0677776, MeSH D061325, MONDO:0003582. Disease mechanism: loss of function.

Allele frequency attached by ClinVar (database versions not stated): gnomAD exomes below 0.00001; TOPMed below 0.00001; gnomAD 0.00001.
gnomAD v4.1: 2 of 1,613,748 alleles (0.00012%); highest among the groups gnomAD compares: African/African-American, 0.0027%; no homozygotes.

Submissions (5):

Labcorp Genetics (formerly Invitae), Labcorp
Classification: Uncertain significance for Hereditary breast ovarian cancer syndrome. Last evaluated: 2025-10-07. Review status: criteria provided, single submitter. Criteria: Invitae Variant Classification Sherloc (09022015). Collection method: clinical testing. Allele origin: germline.
Comment: This sequence change replaces serine, which is neutral and polar, with glycine, which is neutral and non-polar, at codon 1494 of the BRCA2 protein (p.Ser1494Gly). This variant is not present in population databases (gnomAD no frequency). This variant has not been reported in the literature in individuals affected with BRCA2-related conditions. ClinVar contains an entry for this variant (Variation ID: 824925). Invitae Evidence Modeling of protein sequence and biophysical properties (such as structural, functional, and spatial information, amino acid conservation, physicochemical variation, residue mobility, and thermodynamic stability) indicates that this missense variant is not expected to disrupt BRCA2 protein function with a negative predictive value of 95%. In summary, the available evidence is currently insufficient to determine the role of this variant in disease. Therefore, it has been classified as a Variant of Uncertain Significance.

Ambry Genetics
Classification: Likely benign for Hereditary cancer-predisposing syndrome. Last evaluated: 2023-11-30. Review status: criteria provided, single submitter. Criteria: Ambry Variant Classification Scheme 2023. Collection method: clinical testing. Allele origin: germline.

University of Washington Department of Laboratory Medicine, University of Washington
Classification: Likely benign for Hereditary cancer-predisposing syndrome. Last evaluated: 2023-03-23. Review status: criteria provided, single submitter. Criteria: Dines et al. (Genet Med. 2020). Collection method: curation. Allele origin: germline.
Comment: Missense variant in a coldspot region where missense variants are very unlikely to be pathogenic (PMID:31911673).

BRCA2 exon 11 coldspot. Reclassification based on statistical prior probability.

GeneDx
Classification: Uncertain significance. Last evaluated: 2022-03-02. Review status: criteria provided, single submitter. Criteria: GeneDx Variant Classification Process June 2021. Collection method: clinical testing. Allele origin: germline. Affected: yes.
Comment: Not observed at significant frequency in large population cohorts (gnomAD); In silico analysis supports that this missense variant does not alter protein structure/function; Has not been previously published as pathogenic or benign to our knowledge; Also known as 4708A>G

Color Diagnostics, LLC DBA Color Health
Classification: Uncertain significance for Hereditary cancer-predisposing syndrome. Last evaluated: 2019-05-23. Review status: criteria provided, single submitter. Criteria: ACMG Guidelines, 2015. Collection method: clinical testing. Allele origin: germline.